The following is an entry in ClinVar:

ClinVar aggregate classification (germline): Uncertain significance (1 of 4 stars; one submission).

Conditions:
MEGF10-related myopathy (CMYO10A). Also called: Congenital myopathy 10A, severe variant. Identifiers: Orphanet 439212, MedGen C3280679, MONDO:0013731, OMIM 614399.

Allele frequency attached by ClinVar (database versions not stated): gnomAD exomes below 0.00001; TOPMed below 0.00001.
gnomAD v4.1: 4 of 1,614,090 alleles (0.00025%); highest among the groups gnomAD compares: Non-Finnish European, 0.00034%; no homozygotes.

Submission:

Labcorp Genetics (formerly Invitae), Labcorp
Classification: Uncertain significance for MEGF10-related myopathy. Last evaluated: 2022-06-11. Review status: criteria provided, single submitter. Criteria: Invitae Variant Classification Sherloc (09022015). Collection method: clinical testing. Allele origin: germline.
Comment: This sequence change replaces asparagine, which is neutral and polar, with serine, which is neutral and polar, at codon 916 of the MEGF10 protein (p.Asn916Ser). This variant is not present in population databases (gnomAD no frequency). This variant has not been reported in the literature in individuals affected with MEGF10-related conditions. Algorithms developed to predict the effect of missense changes on protein structure and function output the following: SIFT: "Tolerated"; PolyPhen-2: "Benign"; Align-GVGD: "Class C0". The serine amino acid residue is found in multiple mammalian species, which suggests that this missense change does not adversely affect protein function. In summary, the available evidence is currently insufficient to determine the role of this variant in disease. Therefore, it has been classified as a Variant of Uncertain Significance.

NM_001256545.2(MEGF10):c.2747A>G (p.Asn916Ser)

Gene: MEGF10 (multiple EGF like domains 10; plus strand). Cytogenetic location: 5q23.2.
Variant type: single nucleotide variant.
Coding change: c.2747A>G on transcript NM_001256545.2 (MANE Select); coding-DNA position 2747, A replaced by G.
Protein change: p.Asn916Ser; replaces asparagine 916 with serine.
Molecular consequence: missense variant.
Genome position (GRCh38, 1-based): chr5:127,447,575, A>G. VCF-style: chr5-127447575-A-G. GRCh37 (hg19) VCF-style: chr5-126783267-A-G.
Other names: c.2747A>G, p.Asn916Ser (NM_032446.3); short protein forms N916S.
Identifiers: ClinVar variation 1990845 (VCV001990845.1), dbSNP rs1765994598, ClinGen allele CA360735080.